The following is an entry in ClinVar:

NM_005591.4(MRE11):c.1835T>C (p.Val612Ala)

Gene: MRE11 (MRE11 double strand break repair nuclease; minus strand). Cytogenetic location: 11q21.
Variant type: single nucleotide variant.
Coding change: c.1835T>C on transcript NM_005591.4 (MANE Select); coding-DNA position 1835, T replaced by C.
Protein change: p.Val612Ala; replaces valine 612 with alanine.
Molecular consequence: missense variant. On other transcripts: intron variant (1).
Genome position (GRCh38, 1-based): chr11:94,445,842, A>G on the plus strand (T>C on the coding strand, the complement: MRE11 is on the minus strand). VCF-style: chr11-94445842-A-G. GRCh37 (hg19) VCF-style: chr11-94179008-A-G.
Other names: c.1832T>C, p.Val611Ala (NM_001330347.2); c.1783+1377T>C (NM_005590.4); short protein forms V611A, V612A.
Identifiers: ClinVar variation 3397879 (VCV003397879.1).

ClinVar aggregate classification (germline): Uncertain significance (1 of 4 stars; one submission).

Conditions:
Hereditary cancer-predisposing syndrome. Also called: Hereditary Cancer Syndrome; Tumor predisposition; Hereditary neoplastic syndrome; Neoplastic Syndromes, Hereditary. Identifiers: Orphanet 140162, MedGen C0027672, MeSH D009386, MONDO:0015356.

Submission:

Ambry Genetics
Classification: Uncertain significance for Hereditary cancer-predisposing syndrome. Last evaluated: 2024-10-28. Review status: criteria provided, single submitter. Criteria: Ambry Variant Classification Scheme 2023. Collection method: clinical testing. Allele origin: germline.
Comment: The p.V612A variant (also known as c.1835T>C), located in coding exon 15 of the MRE11A gene, results from a T to C substitution at nucleotide position 1835. The valine at codon 612 is replaced by alanine, an amino acid with similar properties. This amino acid position is conserved. In addition, this alteration is predicted to be tolerated by in silico analysis. Based on the available evidence, the clinical significance of this variant remains unclear.